The following is an entry in ClinVar:

NM_002582.4(PARN):c.272A>T (p.Tyr91Phe)

Gene: PARN (poly(A)-specific ribonuclease; minus strand). Cytogenetic location: 16p13.12.
Variant type: single nucleotide variant.
Coding change: c.272A>T on transcript NM_002582.4 (MANE Select); coding-DNA position 272, A replaced by T.
Protein change: p.Tyr91Phe; replaces tyrosine 91 with phenylalanine.
Molecular consequence: missense variant. On other transcripts: intron variant (1).
Genome position (GRCh38, 1-based): chr16:14,627,161, T>A on the plus strand (A>T on the coding strand, the complement: PARN is on the minus strand). VCF-style: chr16-14627161-T-A. GRCh37 (hg19) VCF-style: chr16-14721018-T-A.
Other names: c.89A>T, p.Tyr30Phe (NM_001134477.3); c.159-25A>T (NM_001242992.2); short protein forms Y30F, Y91F.
Identifiers: ClinVar variation 1481936 (VCV001481936.6), dbSNP rs201765587, ClinGen allele CA7912471.

ClinVar aggregate classification (germline): Uncertain significance (1 of 4 stars; one submission).

Conditions:
Dyskeratosis congenita, autosomal recessive 6 (DKCB6). Identifiers: MedGen C4225356, MONDO:0014600, OMIM 616353.
Pulmonary fibrosis and/or bone marrow failure, Telomere-related, 4. Also called: PULMONARY FIBROSIS AND/OR BONE MARROW FAILURE SYNDROME, TELOMERE-RELATED, 4. Identifiers: Orphanet 2032, MedGen C4225347, MONDO:0014612, OMIM 616371.

gnomAD v4.1: 1 of 1,605,790 alleles (0.000062%); highest among the groups gnomAD compares: South Asian, 0.0011%; no homozygotes.

Submission:

Labcorp Genetics (formerly Invitae), Labcorp
Classification: Uncertain significance for Dyskeratosis congenita, autosomal recessive 6; Pulmonary fibrosis and/or bone marrow failure, Telomere-related, 4. Last evaluated: 2023-03-17. Review status: criteria provided, single submitter. Criteria: Invitae Variant Classification Sherloc (09022015). Collection method: clinical testing. Allele origin: germline.
Comment: This variant disrupts the p.Tyr91 amino acid residue in PARN. Other variant(s) that disrupt this residue have been determined to be pathogenic (PMID: 31448843). This suggests that this residue is clinically significant, and that variants that disrupt this residue are likely to be disease-causing. In summary, the available evidence is currently insufficient to determine the role of this variant in disease. Therefore, it has been classified as a Variant of Uncertain Significance. Algorithms developed to predict the effect of sequence changes on RNA splicing suggest that this variant may create or strengthen a splice site. Advanced modeling of protein sequence and biophysical properties (such as structural, functional, and spatial information, amino acid conservation, physicochemical variation, residue mobility, and thermodynamic stability) performed at Invitae indicates that this missense variant is not expected to disrupt PARN protein function. ClinVar contains an entry for this variant (Variation ID: 1481936). This variant has not been reported in the literature in individuals affected with PARN-related conditions. This variant is present in population databases (rs201765587, gnomAD 0.003%). This sequence change replaces tyrosine, which is neutral and polar, with phenylalanine, which is neutral and non-polar, at codon 91 of the PARN protein (p.Tyr91Phe).

Literature cited by the submitters: PubMed 31448843.